The following is an entry in ClinVar:

ClinVar aggregate classification (germline): Uncertain significance. Review status: criteria provided, multiple submitters, no conflicts (2 of 4 stars). 2 submissions from 2 submitters: Uncertain significance (2). Last evaluated 2024-06-27.

Allele frequency attached by ClinVar (database versions not stated): gnomAD 0.00001; gnomAD exomes 0.00001 and 0.00003; ExAC 0.00002; TOPMed 0.00003; ESP Exome Variant Server 0.00008.
gnomAD v4.1: 40 of 1,609,690 alleles (0.0025%); highest among the groups gnomAD compares: Non-Finnish European, 0.0032%; no homozygotes.

Submissions (2):

Blueprint Genetics
Classification: Uncertain significance. Last evaluated: 2024-06-27. Review status: criteria provided, single submitter. Criteria: ACMG Guidelines, 2015. Collection method: clinical testing. Allele origin: germline.

Labcorp Genetics (formerly Invitae), Labcorp
Classification: Uncertain significance. Last evaluated: 2021-12-03. Review status: criteria provided, single submitter. Criteria: Invitae Variant Classification Sherloc (09022015). Collection method: clinical testing. Allele origin: germline.
Comment: This sequence change replaces alanine, which is neutral and non-polar, with threonine, which is neutral and polar, at codon 1091 of the LRPPRC protein (p.Ala1091Thr). This variant is present in population databases (rs375017327, gnomAD 0.003%). This variant has not been reported in the literature in individuals affected with LRPPRC-related conditions. Algorithms developed to predict the effect of missense changes on protein structure and function (SIFT, PolyPhen-2, Align-GVGD) all suggest that this variant is likely to be tolerated. In summary, the available evidence is currently insufficient to determine the role of this variant in disease. Therefore, it has been classified as a Variant of Uncertain Significance.

NM_133259.4(LRPPRC):c.3271G>A (p.Ala1091Thr)

Gene: LRPPRC (leucine rich pentatricopeptide repeat containing; minus strand). Cytogenetic location: 2p21.
Variant type: single nucleotide variant.
Coding change: c.3271G>A on transcript NM_133259.4 (MANE Select); coding-DNA position 3271, G replaced by A.
Protein change: p.Ala1091Thr; replaces alanine 1091 with threonine.
Molecular consequence: missense variant.
Genome position (GRCh38, 1-based): chr2:43,912,436, C>T on the plus strand (G>A on the coding strand, the complement: LRPPRC is on the minus strand). VCF-style: chr2-43912436-C-T. GRCh37 (hg19) VCF-style: chr2-44139575-C-T.
Other names: short protein forms A1091T.
Identifiers: ClinVar variation 1405055 (VCV001405055.4), dbSNP rs375017327, ClinGen allele CA1638136.